The following is an entry in ClinVar:

ClinVar aggregate classification (germline): Uncertain significance (1 of 4 stars; one submission).

gnomAD v4.1: 6 of 1,612,584 alleles (0.00037%); highest among the groups gnomAD compares: East Asian, 0.0022%; no homozygotes.

Submission:

CeGaT Center for Human Genetics Tuebingen
Classification: Uncertain significance. Last evaluated: 2026-05-01. Review status: criteria provided, single submitter. Criteria: CeGaT Center For Human Genetics Tuebingen Variant Classification Criteria Version 2. Collection method: clinical testing. Allele origin: germline. Affected: yes. Observed: 1 variant allele.
Comment: NFKB2: PM2

NM_001322934.2(NFKB2):c.1016G>A (p.Arg339Gln)

Gene: NFKB2 (nuclear factor kappa B subunit 2; plus strand). Cytogenetic location: 10q24.32.
Variant type: single nucleotide variant.
Coding change: c.1016G>A on transcript NM_001322934.2 (MANE Select); coding-DNA position 1016, G replaced by A.
Protein change: p.Arg339Gln; replaces arginine 339 with glutamine.
Molecular consequence: missense variant. On other transcripts: intron variant (1).
Genome position (GRCh38, 1-based): chr10:102,398,763, G>A. VCF-style: chr10-102398763-G-A. GRCh37 (hg19) VCF-style: chr10-104158520-G-A.
Other names: c.1016G>A, p.Arg339Gln (NM_001077494.3, NM_001261403.3, NM_001288724.1 and 1 more transcripts); c.991+240G>A (NM_001322935.1); short protein forms R339Q.
Identifiers: ClinVar variation 4873433 (VCV004873433.2).